The following is an entry in ClinVar:

ClinVar aggregate classification (germline): Uncertain significance. Review status: criteria provided, multiple submitters, no conflicts (2 of 4 stars). 3 submissions from 3 submitters: Uncertain significance (3). Last evaluated 2025-05-06.

Allele frequency attached by ClinVar (database versions not stated): ExAC 0.00002; gnomAD 0.00004 and 0.00005; ESP Exome Variant Server 0.00008.
gnomAD v4.1: 37 of 1,612,468 alleles (0.0023%); highest among the groups gnomAD compares: Non-Finnish European, 0.003%; no homozygotes.

Submissions (3):

Labcorp Genetics (formerly Invitae), Labcorp
Classification: Uncertain significance. Last evaluated: 2025-05-06. Review status: criteria provided, single submitter. Criteria: Invitae Variant Classification Sherloc (09022015). Collection method: clinical testing. Allele origin: germline.
Comment: This sequence change replaces glycine, which is neutral and non-polar, with arginine, which is basic and polar, at codon 377 of the RECQL protein (p.Gly377Arg). This variant is present in population databases (rs375822444, gnomAD 0.004%). This variant has not been reported in the literature in individuals affected with RECQL-related conditions. ClinVar contains an entry for this variant (Variation ID: 1437417). Invitae Evidence Modeling of protein sequence and biophysical properties (such as structural, functional, and spatial information, amino acid conservation, physicochemical variation, residue mobility, and thermodynamic stability) indicates that this missense variant is expected to disrupt RECQL protein function with a positive predictive value of 80%. In summary, the available evidence is currently insufficient to determine the role of this variant in disease. Therefore, it has been classified as a Variant of Uncertain Significance.

Ambry Genetics
Classification: Uncertain significance. Last evaluated: 2025-03-08. Review status: criteria provided, single submitter. Criteria: Ambry Variant Classification Scheme 2023. Collection method: clinical testing. Allele origin: germline.
Comment: The p.G377R variant (also known as c.1129G>A), located in coding exon 9 of the RECQL gene, results from a G to A substitution at nucleotide position 1129. The glycine at codon 377 is replaced by arginine, an amino acid with dissimilar properties. This amino acid position is highly conserved in available vertebrate species. In addition, this alteration is predicted to be deleterious by in silico analysis. Since supporting evidence is limited at this time, the clinical significance of this alteration remains unclear.

GeneDx
Classification: Uncertain significance. Last evaluated: 2023-10-31. Review status: criteria provided, single submitter. Criteria: GeneDx Variant Classification Process June 2021. Collection method: clinical testing. Allele origin: germline. Affected: yes.
Comment: Not observed at significant frequency in large population cohorts (gnomAD); In silico analysis supports that this missense variant has a deleterious effect on protein structure/function; Has not been previously published as pathogenic or benign to our knowledge; Variants in candidate genes are classified as variants of uncertain significance in accordance with ACMG guidelines (PMID: 25741868); This variant is associated with the following publications: (PMID: 19151156, 27248010)

NM_002907.4(RECQL):c.1129G>A (p.Gly377Arg)

Gene: RECQL (RecQ like helicase; minus strand). Cytogenetic location: 12p12.1.
Variant type: single nucleotide variant.
Coding change: c.1129G>A on transcript NM_002907.4 (MANE Select); coding-DNA position 1129, G replaced by A.
Protein change: p.Gly377Arg; replaces glycine 377 with arginine.
Molecular consequence: missense variant.
Genome position (GRCh38, 1-based): chr12:21,475,555, C>T on the plus strand (G>A on the coding strand, the complement: RECQL is on the minus strand). VCF-style: chr12-21475555-C-T. GRCh37 (hg19) VCF-style: chr12-21628489-C-T.
Other names: c.1129G>A, p.Gly377Arg (NM_032941.3); short protein forms G377R.
Identifiers: ClinVar variation 1437417 (VCV001437417.16), dbSNP rs375822444, ClinGen allele CA6478848.